The following is an entry in ClinVar:

NM_017934.7(PHIP):c.4697T>G (p.Phe1566Cys)

Genes: IRAK1BP1 (interleukin 1 receptor associated kinase 1 binding protein 1; plus strand), PHIP (PHIP subunit of CUL4-Ring ligase complex; minus strand). Cytogenetic location: 6q14.1.
Variant type: single nucleotide variant.
Coding change: c.4697T>G on transcript NM_017934.7 (MANE Select); coding-DNA position 4697, T replaced by G.
Protein change: p.Phe1566Cys; replaces phenylalanine 1566 with cysteine.
Molecular consequence: missense variant.
Genome position (GRCh38, 1-based): chr6:78,945,431, A>C on the plus strand (T>G on the coding strand, the complement: PHIP is on the minus strand). VCF-style: chr6-78945431-A-C. GRCh37 (hg19) VCF-style: chr6-79655148-A-C.
Other names: short protein forms F1566C.
Identifiers: ClinVar variation 2574482 (VCV002574482.1), dbSNP rs2481789293, ClinGen allele CA364635487.

ClinVar aggregate classification (germline): Uncertain significance (1 of 4 stars; one submission).

Submission:

GeneDx
Classification: Uncertain significance. Last evaluated: 2023-01-26. Review status: criteria provided, single submitter. Criteria: GeneDx Variant Classification Process June 2021. Collection method: clinical testing. Allele origin: germline. Affected: yes.
Comment: Not observed at significant frequency in large population cohorts (gnomAD); In silico analysis supports that this missense variant does not alter protein structure/function; Has not been previously published as pathogenic or benign to our knowledge